The following is an entry in ClinVar:

ClinVar aggregate classification (germline): Uncertain significance (1 of 4 stars; one submission).

Conditions:
Malignant hyperthermia, susceptibility to, 5 (MHS5). Also called: CACNA1S-Related Malignant Hyperthermia Susceptibility. Identifiers: Orphanet 423, MedGen C1866077, MONDO:0011163, OMIM 601887.
Hypokalemic periodic paralysis, type 1. Also called: HypoPP; Hypokalemic Periodic Paralysis Type 1 (AD). Identifiers: Orphanet 681, MedGen C3714580, MONDO:0042979, OMIM 170400.

Submission:

Labcorp Genetics (formerly Invitae), Labcorp
Classification: Uncertain significance for Hypokalemic periodic paralysis, type 1; Malignant hyperthermia, susceptibility to, 5. Last evaluated: 2023-12-14. Review status: criteria provided, single submitter. Criteria: Invitae Variant Classification Sherloc (09022015). Collection method: clinical testing. Allele origin: germline.
Comment: This sequence change replaces tryptophan, which is neutral and slightly polar, with arginine, which is basic and polar, at codon 800 of the CACNA1S protein (p.Trp800Arg). This variant is not present in population databases (gnomAD no frequency). This variant has not been reported in the literature in individuals affected with CACNA1S-related conditions. Advanced modeling of protein sequence and biophysical properties (such as structural, functional, and spatial information, amino acid conservation, physicochemical variation, residue mobility, and thermodynamic stability) performed at Invitae indicates that this missense variant is not expected to disrupt CACNA1S protein function with a negative predictive value of 80%. In summary, the available evidence is currently insufficient to determine the role of this variant in disease. Therefore, it has been classified as a Variant of Uncertain Significance.

NM_000069.3(CACNA1S):c.2398T>C (p.Trp800Arg)

Gene: CACNA1S (calcium voltage-gated channel subunit alpha1 S; minus strand). Cytogenetic location: 1q32.1.
Variant type: single nucleotide variant.
Coding change: c.2398T>C on transcript NM_000069.3 (MANE Select); coding-DNA position 2398, T replaced by C.
Protein change: p.Trp800Arg; replaces tryptophan 800 with arginine.
Molecular consequence: missense variant.
Genome position (GRCh38, 1-based): chr1:201,069,564, A>G on the plus strand (T>C on the coding strand, the complement: CACNA1S is on the minus strand). VCF-style: chr1-201069564-A-G. GRCh37 (hg19) VCF-style: chr1-201038692-A-G.
Other names: short protein forms W800R.
Identifiers: ClinVar variation 2937175 (VCV002937175.3), dbSNP rs1001861334, ClinGen allele CA344107637.